The following is an entry in ClinVar:

NM_025137.4(SPG11):c.5982C>T (p.Val1994=)

Gene: SPG11 (SPG11 vesicle trafficking associated, spatacsin; minus strand). Cytogenetic location: 15q21.1.
Variant type: single nucleotide variant.
Coding change: c.5982C>T on transcript NM_025137.4 (MANE Select); coding-DNA position 5982, C replaced by T.
Protein change: p.Val1994=; no amino-acid change (valine 1994 retained).
Molecular consequence: synonymous variant. On other transcripts: intron variant (1).
Genome position (GRCh38, 1-based): chr15:44,574,926, G>A on the plus strand (C>T on the coding strand, the complement: SPG11 is on the minus strand). VCF-style: chr15-44574926-G-A. GRCh37 (hg19) VCF-style: chr15-44867124-G-A.
Other names: p.Val1994=; c.5838C>T, p.Val1946= (NM_001411132.1); c.5867-2106C>T (NM_001160227.2).
Identifiers: ClinVar variation 2719808 (VCV002719808.5), dbSNP rs2505238493, ClinGen allele CA490203533.

ClinVar aggregate classification (germline): Likely benign. Review status: criteria provided, multiple submitters, no conflicts (2 of 4 stars). 3 submissions from 3 submitters: Likely benign (3). Last evaluated 2026-08-01.

Conditions:
Hereditary spastic paraplegia 11. Also called: SPASTIC PARAPLEGIA, AUTOSOMAL RECESSIVE, COMPLICATED, WITH THIN CORPUS CALLOSUM; SPASTIC PARAPLEGIA, AUTOSOMAL RECESSIVE, WITH MENTAL IMPAIRMENT AND THIN CORPUS CALLOSUM; Spastic Paraplegia 11; Nakamura Osame syndrome; Autosomal recessive hereditary spastic paraplegia, mental impairment, and thin corpus callosum; Spastic paraplegia, mental retardation and thin corpus callosum. Identifiers: Orphanet 2822, MedGen C1858479, MONDO:0011445, OMIM 604360.

Allele frequency attached by ClinVar (database versions not stated): gnomAD exomes below 0.00001.
gnomAD v4.1: 2 of 1,613,990 alleles (0.00012%); highest among the groups gnomAD compares: Non-Finnish European, 0.00017%; no homozygotes.

Submissions (3):

CeGaT Center for Human Genetics Tuebingen
Classification: Likely benign. Last evaluated: 2026-08-01. Review status: criteria provided, single submitter. Criteria: CeGaT Center For Human Genetics Tuebingen Variant Classification Criteria Version 2. Collection method: clinical testing. Allele origin: germline. Affected: yes. Observed: 1 variant allele.
Comment: SPG11: BP4, BP7

Mayo Clinic Laboratories, Mayo Clinic
Classification: Likely benign. Last evaluated: 2025-03-26. Review status: criteria provided, single submitter. Criteria: ACMG Guidelines, 2015. Collection method: clinical testing. Allele origin: germline. Observed: 1 variant allele.
Comment: BP4, BP7

Labcorp Genetics (formerly Invitae), Labcorp
Classification: Likely benign for Hereditary spastic paraplegia 11. Last evaluated: 2023-07-24. Review status: criteria provided, single submitter. Criteria: Invitae Variant Classification Sherloc (09022015). Collection method: clinical testing. Allele origin: germline.